The following is an entry in ClinVar:

ClinVar aggregate classification (germline): Pathogenic (1 of 4 stars; one submission).

Submission:

Labcorp Genetics (formerly Invitae), Labcorp
Classification: Pathogenic. Last evaluated: 2022-01-26. Review status: criteria provided, single submitter. Criteria: Invitae Variant Classification Sherloc (09022015). Collection method: clinical testing. Allele origin: germline.
Comment: For these reasons, this variant has been classified as Pathogenic. This variant has not been reported in the literature in individuals affected with GNPTG-related conditions. This variant is not present in population databases (gnomAD no frequency). This sequence change creates a premature translational stop signal (p.Gln203Profs*8) in the GNPTG gene. It is expected to result in an absent or disrupted protein product. Loss-of-function variants in GNPTG are known to be pathogenic (PMID: 19370764, 20301784).

Literature cited by the submitters: PubMed 19370764; PubMed 20301784.

NM_032520.5(GNPTG):c.601_602dup (p.Gln203fs)

Gene: GNPTG (N-acetylglucosamine-1-phosphate transferase subunit gamma; plus strand). Cytogenetic location: 16p13.3.
Variant type: Duplication.
Coding change: c.601_602dup on transcript NM_032520.5 (MANE Select); coding-DNA positions 601 to 602, 2 bases duplicated (AC; older notation c.601_602dupAC).
Protein change: p.Gln203fs; shifts the reading frame from glutamine 203.
Molecular consequence: frameshift variant.
Genome position (GRCh38, 1-based): chr16:1,362,526-1,362,527, AC duplicated; duplicating any 2 consecutive bases within chr16:1,362,525-1,362,527 gives the same sequence; the c. name uses the placement nearest the transcript's 3' end. VCF-style (leftmost placement, unchanged base first): chr16-1362524-T-TCA. GRCh37 (hg19) VCF-style: chr16-1412525-T-TCA.
Other names: short protein forms Q203fs.
Identifiers: ClinVar variation 1357296 (VCV001357296.6), dbSNP rs2141863669, ClinGen allele CA2573151731.